The following is an entry in ClinVar:

NM_000038.6(APC):c.570A>G (p.Glu190=)

Gene: APC (APC regulator of Wnt signaling pathway; plus strand). Cytogenetic location: 5q22.2.
Variant type: single nucleotide variant.
Coding change: c.570A>G on transcript NM_000038.6 (MANE Select); coding-DNA position 570, A replaced by G.
Protein change: p.Glu190=; no amino-acid change (glutamic acid 190 retained).
Molecular consequence: synonymous variant. On other transcripts: 5 prime UTR variant (4), non-coding transcript variant (2).
Genome position (GRCh38, 1-based): chr5:112,780,828, A>G. VCF-style: chr5-112780828-A-G. GRCh37 (hg19) VCF-style: chr5-112116525-A-G.
Other names: c.570A>G, p.Glu190= (NM_001127510.3, NM_001354895.2, NM_001354896.2 and 16 more transcripts); c.600A>G, p.Glu200= (NM_001127511.3, NM_001354897.2, NM_001354902.2 and 1 more transcripts); c.495A>G, p.Glu165= (NM_001354898.2, NM_001354904.2, NM_001407451.1); c.393A>G, p.Glu131= (NM_001354900.2, NM_001354901.2, NM_001354905.2 and 1 more transcripts); c.-466A>G (NM_001354906.2, NM_001407470.1, NM_001407471.1 and 1 more transcripts).
Identifiers: ClinVar variation 3148047 (VCV003148047.1), dbSNP rs2149639628, ClinGen allele CA445755495.

ClinVar aggregate classification (germline): Benign (1 of 4 stars; one submission).

Conditions:
Familial adenomatous polyposis 1 (FAP1). Also called: POLYPOSIS, ADENOMATOUS INTESTINAL; FAMILIAL ADENOMATOUS POLYPOSIS 1, ATTENUATED. Identifiers: MedGen C2713442, MONDO:0021056, OMIM 175100. Disease mechanism: loss of function.

Submission:

Myriad Genetics, Inc.
Classification: Benign for Familial adenomatous polyposis 1. Last evaluated: 2024-02-23. Review status: criteria provided, single submitter. Criteria: Myriad Autosomal Dominant, Autosomal Recessive and X-Linked Classification Criteria (2023). Collection method: clinical testing. Allele origin: unknown.
Comment: This variant is considered benign. This variant is a silent/synonymous amino acid change and it is not expected to impact splicing.